The following is an entry in ClinVar:

ClinVar aggregate classification (germline): Uncertain significance. Review status: criteria provided, multiple submitters, no conflicts (2 of 4 stars). 2 submissions from 2 submitters: Uncertain significance (2). Last evaluated 2023-02-28.

Conditions:
Arrhythmogenic right ventricular dysplasia 5. Also called: Arrhythmogenic Right Ventricular Dysplasia/Cardiomyopathy 5; ARRHYTHMOGENIC RIGHT VENTRICULAR DYSPLASIA, FAMILIAL, 5. Identifiers: MedGen C1858379, MONDO:0011459, OMIM 604400.
Auditory neuropathy, autosomal dominant 3 (AUNA3). Identifiers: MedGen C5676964, MONDO:0859235, OMIM 619832.

Submissions (2):

Baylor Genetics
Classification: Uncertain significance for Auditory neuropathy, autosomal dominant 3. Last evaluated: 2023-02-28. Review status: criteria provided, single submitter. Criteria: ACMG Guidelines, 2015. Collection method: clinical testing. Allele origin: unknown.

Labcorp Genetics (formerly Invitae), Labcorp
Classification: Uncertain significance for Arrhythmogenic right ventricular dysplasia 5. Last evaluated: 2022-08-15. Review status: criteria provided, single submitter. Criteria: Invitae Variant Classification Sherloc (09022015). Collection method: clinical testing. Allele origin: germline.
Comment: This sequence change replaces asparagine, which is neutral and polar, with isoleucine, which is neutral and non-polar, at codon 202 of the TMEM43 protein (p.Asn202Ile). This variant is not present in population databases (gnomAD no frequency). This variant has not been reported in the literature in individuals affected with TMEM43-related conditions. ClinVar contains an entry for this variant (Variation ID: 956646). Algorithms developed to predict the effect of missense changes on protein structure and function are either unavailable or do not agree on the potential impact of this missense change (SIFT: "Deleterious"; PolyPhen-2: "Possibly Damaging"; Align-GVGD: "Class C0"). In summary, the available evidence is currently insufficient to determine the role of this variant in disease. Therefore, it has been classified as a Variant of Uncertain Significance.

NM_024334.3(TMEM43):c.605A>T (p.Asn202Ile)

Gene: TMEM43 (transmembrane protein 43; plus strand). Cytogenetic location: 3p25.1.
Variant type: single nucleotide variant.
Coding change: c.605A>T on transcript NM_024334.3 (MANE Select); coding-DNA position 605, A replaced by T.
Protein change: p.Asn202Ile; replaces asparagine 202 with isoleucine.
Molecular consequence: missense variant.
Genome position (GRCh38, 1-based): chr3:14,134,791, A>T. VCF-style: chr3-14134791-A-T. GRCh37 (hg19) VCF-style: chr3-14176291-A-T.
Other names: short protein forms N202I.
Identifiers: ClinVar variation 956646 (VCV000956646.8), dbSNP rs958959766, ClinGen allele CA351535472.